The following is an entry in ClinVar:

ClinVar aggregate classification (germline): Uncertain significance (1 of 4 stars; one submission).

gnomAD v4.1: 9 of 1,614,228 alleles (0.00056%); highest among the groups gnomAD compares: Non-Finnish European, 0.00017%; no homozygotes.

Submission:

Women's Health and Genetics/Laboratory Corporation of America, LabCorp
Classification: Uncertain significance. Last evaluated: 2025-03-25. Review status: criteria provided, single submitter. Criteria: LabCorp Variant Classification Summary - May 2015. Collection method: clinical testing. Allele origin: germline.
Comment: Variant summary: POLG c.3313G>A (p.Ala1105Thr) results in a non-conservative amino acid change in the encoded protein sequence. Five of five in-silico tools predict a damaging effect of the variant on protein function. The variant allele was found at a frequency of 2e-05 in 251440 control chromosomes. The available data on variant occurrences in the general population are insufficient to allow any conclusion about variant significance. c.3313G>A has been reported with early onset Parkinson's disease, all with a second variant of unknown significance (example: Luoma_2004, Ylonen_2017,Palin_2013). These report(s) do not provide unequivocal conclusions about association of the variant with Mitochondrial DNA Depletion Syndrome - POLG Related. To our knowledge, no experimental evidence demonstrating an impact on protein function has been reported. The following publications have been ascertained in the context of this evaluation (PMID: 24122062, 15351195, 23811324). No submitters have cited clinical-significance assessments for this variant to ClinVar. Based on the evidence outlined above, the variant was classified as uncertain significance.

Literature cited by the submitters: PubMed 15351195; PubMed 24122062; PubMed 23811324.

NM_002693.3(POLG):c.3313G>A (p.Ala1105Thr)

Gene: POLG (DNA polymerase gamma, catalytic subunit; minus strand). Cytogenetic location: 15q26.1.
Variant type: single nucleotide variant.
Coding change: c.3313G>A on transcript NM_002693.3 (MANE Select); coding-DNA position 3313, G replaced by A.
Protein change: p.Ala1105Thr; replaces alanine 1105 with threonine.
Molecular consequence: missense variant.
Genome position (GRCh38, 1-based): chr15:89,318,710, C>T on the plus strand (G>A on the coding strand, the complement: POLG is on the minus strand). VCF-style: chr15-89318710-C-T. GRCh37 (hg19) VCF-style: chr15-89861941-C-T.
Other names: c.3313G>A, p.Ala1105Thr (NM_001126131.2); short protein forms A1105T.
Identifiers: ClinVar variation 3895962 (VCV003895962.1).